The following is an entry in ClinVar:

NM_177438.3(DICER1):c.3153T>A (p.Ala1051=)

Gene: DICER1 (dicer 1, ribonuclease III; minus strand). Cytogenetic location: 14q32.13.
Variant type: single nucleotide variant.
Coding change: c.3153T>A on transcript NM_177438.3 (MANE Select); coding-DNA position 3153, T replaced by A.
Protein change: p.Ala1051=; no amino-acid change (alanine 1051 retained).
Molecular consequence: synonymous variant. On other transcripts: non-coding transcript variant (6).
Genome position (GRCh38, 1-based): chr14:95,105,187, A>T on the plus strand (T>A on the coding strand, the complement: DICER1 is on the minus strand). VCF-style: chr14-95105187-A-T. GRCh37 (hg19) VCF-style: chr14-95571524-A-T.
Other names: c.3153T>A, p.Ala1051= (NM_001195573.1, NM_001271282.3, NM_001291628.2 and 12 more transcripts); c.2871T>A, p.Ala957= (NM_001395686.1); c.2748T>A, p.Ala916= (NM_001395687.1, NM_001395688.1, NM_001395689.1 and 2 more transcripts); c.2586T>A, p.Ala862= (NM_001395691.1); c.1470T>A, p.Ala490= (NM_001395697.1).
Identifiers: ClinVar variation 4084461 (VCV004084461.8).
Genomic context (GRCh38, chr14:95,105,187, plus strand): 5'-TCTTAGCTCCTCTGCAGTCAAAAGGCAGTGAAGGCGATAAAGTATGCTGGGGAGACAAAC[A>T]GCTTTTCTCCACAGTGATGCTGGAATTGGATGTATAGCACAGAGTTCTGGAACCAGTATC-3'
Protein context (NP_803187.1, residues 1041-1061): HPIPASLWRK[Ala1051=]VCLPSILYRL

ClinVar aggregate classification (germline): Likely benign (1 of 4 stars; one submission).

Submission:

CeGaT Center for Human Genetics Tuebingen
Classification: Likely benign. Last evaluated: 2025-08-01. Review status: criteria provided, single submitter. Criteria: CeGaT Center For Human Genetics Tuebingen Variant Classification Criteria Version 2. Collection method: clinical testing. Allele origin: germline. Affected: yes. Observed: 1 variant allele.
Comment: DICER1: PM2:Supporting, BP4, BP7